The following is an entry in ClinVar:

NM_153717.3(EVC):c.1687G>A (p.Glu563Lys)

Gene: EVC (EvC ciliary complex subunit 1; plus strand). Cytogenetic location: 4p16.2.
Variant type: single nucleotide variant.
Coding change: c.1687G>A on transcript NM_153717.3 (MANE Select); coding-DNA position 1687, G replaced by A.
Protein change: p.Glu563Lys; replaces glutamic acid 563 with lysine.
Molecular consequence: missense variant.
Genome position (GRCh38, 1-based): chr4:5,783,675, G>A. VCF-style: chr4-5783675-G-A. GRCh37 (hg19) VCF-style: chr4-5785402-G-A.
Other names: c.1687G>A, p.Glu563Lys (NM_001306090.2); short protein forms E563K.
Identifiers: ClinVar variation 1023687 (VCV001023687.10), dbSNP rs539010490, ClinGen allele CA2836223.

ClinVar aggregate classification (germline): Uncertain significance (1 of 4 stars; one submission).

Conditions:
Curry-Hall syndrome (WAD). Also called: WEYERS ACRODENTAL DYSOSTOSIS. Identifiers: Orphanet 952, MedGen C0457013, MONDO:0008673, OMIM 193530.
Ellis-van Creveld syndrome (EVC). Also called: EVC-Related Ellis-van Creveld Syndrome; EVC2-Related Ellis-van Creveld Syndrome; Chondroectodermal dysplasia; MESOECTODERMAL DYSPLASIA. Identifiers: Orphanet 289, MedGen C0013903, MONDO:0009162, OMIM 225500.

Allele frequency attached by ClinVar (database versions not stated): ExAC 0.00001; 1000 Genomes Project 30x 0.00016; 1000 Genomes Project 0.00020.
gnomAD v4.1: 1 of 1,614,178 alleles (0.000062%); highest among the groups gnomAD compares: African/African-American, 0.0013%; no homozygotes.

Submission:

Labcorp Genetics (formerly Invitae), Labcorp
Classification: Uncertain significance for Curry-Hall syndrome; Ellis-van Creveld syndrome. Last evaluated: 2022-07-12. Review status: criteria provided, single submitter. Criteria: Invitae Variant Classification Sherloc (09022015). Collection method: clinical testing. Allele origin: germline.
Comment: In summary, the available evidence is currently insufficient to determine the role of this variant in disease. Therefore, it has been classified as a Variant of Uncertain Significance. Algorithms developed to predict the effect of missense changes on protein structure and function are either unavailable or do not agree on the potential impact of this missense change (SIFT: "Deleterious"; PolyPhen-2: "Possibly Damaging"; Align-GVGD: "Class C0"). ClinVar contains an entry for this variant (Variation ID: 1023687). This variant has not been reported in the literature in individuals affected with EVC-related conditions. This variant is present in population databases (rs539010490, gnomAD 0.007%). This sequence change replaces glutamic acid, which is acidic and polar, with lysine, which is basic and polar, at codon 563 of the EVC protein (p.Glu563Lys).